The following is an entry in ClinVar:

NM_000414.4(HSD17B4):c.113-2241A>T

Gene: HSD17B4 (hydroxysteroid 17-beta dehydrogenase 4; plus strand). Cytogenetic location: 5q23.1.
Variant type: single nucleotide variant.
Coding change: c.113-2241A>T on transcript NM_000414.4 (MANE Select); 2241 bases into the intron before coding-DNA position 113, A replaced by T.
Molecular consequence: intron variant. On other transcripts: nonsense (2), 5 prime UTR variant (2).
Genome position (GRCh38, 1-based): chr5:119,471,667, A>T. VCF-style: chr5-119471667-A-T. GRCh37 (hg19) VCF-style: chr5-118807362-A-T.
Other names: c.154A>T, p.Lys52Ter (NM_001199291.3); c.7A>T, p.Lys3Ter (NM_001292027.2); c.-202A>T (NM_001374499.1); c.-338A>T (NM_001374503.1); c.-304-2241A>T (NM_001374502.1); c.-426-2241A>T (NM_001374500.1); c.-299-2241A>T (NM_001374501.1, NM_001292028.2); c.113-2241A>T (NM_001374498.1, NM_001374497.1); and 1 more; short protein forms K3*, K52*.
Identifiers: ClinVar variation 3354694 (VCV003354694.2).

ClinVar aggregate classification (germline): Pathogenic. Review status: criteria provided, single submitter (1 of 4 stars). 2 submissions from 2 submitters: Pathogenic (1). 1 of the submissions does not count toward it. Last evaluated 2025-10-07.

Conditions:
Monogenic hearing loss.
HSD17B4-related disorder. Also called: HSD17B4-related disorders; HSD17B4-related condition.

gnomAD v4.1: 11 of 1,471,190 alleles (0.00075%); highest among the groups gnomAD compares: East Asian, 0.0076%; no homozygotes.

Submissions (2):

Genetics Laboratory, Great Ormond Street Hospital NHS Foundation Trust, North Thames Genomic Laboratory Hub
Classification: Pathogenic for Monogenic hearing loss. Last evaluated: 2025-10-07. Review status: criteria provided, single submitter. Criteria: ACGS Best Practice Guidelines for Variant Classification in Rare Disease 2024 v1.2. Collection method: clinical testing. Allele origin: germline. Affected: yes.
Comment: PM2_moderate, PVS1_very-strong

PreventionGenetics, part of Exact Sciences
Classification: Uncertain significance for HSD17B4-related condition. Last evaluated: 2024-04-18. Review status: no assertion criteria provided. Collection method: clinical testing. Allele origin: germline. Not counted in ClinVar's aggregate classification.
Comment: The HSD17B4 c.154A>T variant is predicted to result in premature protein termination (p.Lys52*). In an alternate transcript (NM_000414.3), this variant is found within an intronic region (c.113-2241A>T). To our knowledge, this variant has not been reported in the literature. This variant is reported in 0.064% of alleles in individuals of East Asian descent in gnomAD. At this time, the clinical significance of this variant is uncertain due to the absence of conclusive functional and genetic evidence.